The following is an entry in ClinVar:

NM_000189.5(HK2):c.603C>T (p.Ile201=)

Gene: HK2 (hexokinase 2; plus strand). Cytogenetic location: 2p12.
Variant type: single nucleotide variant.
Coding change: c.603C>T on transcript NM_000189.5 (MANE Select); coding-DNA position 603, C replaced by T.
Protein change: p.Ile201=; no amino-acid change (isoleucine 201 retained).
Molecular consequence: synonymous variant.
Genome position (GRCh38, 1-based): chr2:74,873,855, C>T. VCF-style: chr2-74873855-C-T. GRCh37 (hg19) VCF-style: chr2-75100982-C-T.
Other names: c.519C>T, p.Ile173= (NM_001371525.2).
Identifiers: ClinVar variation 3037590 (VCV003037590.2), dbSNP rs146408073, ClinGen allele CA1731143.
Genomic context (GRCh38, chr2:74,873,855, plus strand): 5'-TCGCCCTCTGTGATGATGAAGGTCAGAGCCCTCCCATTTGTCTCCACAGGACTTTGATAT[C>T]GACATTGTGGCTGTGGTGAATGACACAGTTGGGACCATGATGACCTGTGGTTATGATGAC-3'
Protein context (NP_000180.2, residues 191-211): KAIQRRGDFD[Ile201=]DIVAVVNDTV

ClinVar aggregate classification (germline): Likely benign (0 of 4 stars; one submission).

Conditions:
HK2-related disorder. Also called: HK2-related condition.

Allele frequency attached by ClinVar (database versions not stated): 1000 Genomes Project 0.00020; ESP Exome Variant Server 0.00092; 1000 Genomes Project 30x 0.00031; TOPMed 0.00127.
gnomAD v4.1: 3,319 of 1,613,416 alleles (0.21%); highest among the groups gnomAD compares: Non-Finnish European, 0.25%; 3 homozygotes.

Submission:

PreventionGenetics, part of Exact Sciences
Classification: Likely benign for HK2-related condition. Last evaluated: 2019-02-27. Review status: no assertion criteria provided. Collection method: clinical testing. Allele origin: germline.
Comment: This variant is classified as likely benign based on ACMG/AMP sequence variant interpretation guidelines (Richards et al. 2015 PMID: 25741868, with internal and published modifications).